The following is an entry in ClinVar:

ClinVar aggregate classification (germline): Uncertain significance (1 of 4 stars; one submission).

Allele frequency attached by ClinVar (database versions not stated): gnomAD 0.00002; TOPMed 0.00002; ESP Exome Variant Server 0.00009.
gnomAD v4.1: 2 of 1,182,733 alleles (0.00017%); highest among the groups gnomAD compares: African/African-American, 0.0035%; no homozygotes.

Submission:

Labcorp Genetics (formerly Invitae), Labcorp
Classification: Uncertain significance. Last evaluated: 2022-10-23. Review status: criteria provided, single submitter. Criteria: Invitae Variant Classification Sherloc (09022015). Collection method: clinical testing. Allele origin: germline.
Comment: In summary, the available evidence is currently insufficient to determine the role of this variant in disease. Therefore, it has been classified as a Variant of Uncertain Significance. Advanced modeling of protein sequence and biophysical properties (such as structural, functional, and spatial information, amino acid conservation, physicochemical variation, residue mobility, and thermodynamic stability) performed at Invitae indicates that this missense variant is expected to disrupt ATP6AP1 protein function. This variant has not been reported in the literature in individuals affected with ATP6AP1-related conditions. This variant is not present in population databases (gnomAD no frequency). This sequence change replaces tyrosine, which is neutral and polar, with cysteine, which is neutral and slightly polar, at codon 183 of the ATP6AP1 protein (p.Tyr183Cys).

NM_001183.6(ATP6AP1):c.548A>G (p.Tyr183Cys)

Gene: ATP6AP1 (ATPase H+ transporting accessory protein 1; plus strand). Cytogenetic location: Xq28.
Variant type: single nucleotide variant.
Coding change: c.548A>G on transcript NM_001183.6 (MANE Select); coding-DNA position 548, A replaced by G.
Protein change: p.Tyr183Cys; replaces tyrosine 183 with cysteine.
Molecular consequence: missense variant.
Genome position (GRCh38, 1-based): chrX:154,432,450, A>G. VCF-style: chrX-154432450-A-G. GRCh37 (hg19) VCF-style: chrX-153660796-A-G.
Other names: short protein forms Y183C.
Identifiers: ClinVar variation 2809529 (VCV002809529.3), dbSNP rs144602046, ClinGen allele CA337293941.
Genomic context (GRCh38, chrX:154,432,450, plus strand): 5'-CCCTGCGGGAGCTGAAGCTCAATGCCAGCCTCCCTGCTCTGCTGCTCATTCGCCTGCCCT[A>G]CACAGCCAGGTACTGCCCGCATGGCCCAGCCACCAGCCTCGGGGCCCAGAGAGCAGCAAG-3'
Protein context (NP_001174.2, residues 173-193): LPALLLIRLP[Tyr183Cys]TASSGLMAPR